The following is an entry in ClinVar:

NM_000051.4(ATM):c.2679A>T (p.Gln893His)

Gene: ATM (ATM serine/threonine kinase; plus strand). Cytogenetic location: 11q22.3.
Variant type: single nucleotide variant.
Coding change: c.2679A>T on transcript NM_000051.4 (MANE Select); coding-DNA position 2679, A replaced by T.
Protein change: p.Gln893His; replaces glutamine 893 with histidine.
Molecular consequence: missense variant.
Genome position (GRCh38, 1-based): chr11:108,268,450, A>T. VCF-style: chr11-108268450-A-T. GRCh37 (hg19) VCF-style: chr11-108139177-A-T.
Other names: c.2679A>T, p.Gln893His (NM_001351834.2); short protein forms Q893H.
Identifiers: ClinVar variation 482576 (VCV000482576.10), dbSNP rs139316519, ClinGen allele CA382545135.

ClinVar aggregate classification (germline): Uncertain significance. Review status: criteria provided, multiple submitters, no conflicts (2 of 4 stars). 3 submissions from 3 submitters: Uncertain significance (2). 1 of the submissions does not count toward it. Last evaluated 2025-04-11.

Conditions:
Hereditary cancer-predisposing syndrome. Also called: Hereditary neoplastic syndrome; Neoplastic Syndromes, Hereditary; Tumor predisposition; Hereditary Cancer Syndrome. Identifiers: Orphanet 140162, MedGen C0027672, MeSH D009386, MONDO:0015356.
Ataxia-telangiectasia syndrome (AT). Also called: LOUIS-BAR SYNDROME; Cerebello-oculocutaneous telangiectasia; Immunodeficiency with ataxia telangiectasia; AT, COMPLEMENTATION GROUP C; Ataxia-telangiectasia, complementation group D; ATAXIA-TELANGIECTASIA, COMPLEMENTATION GROUP A. Identifiers: Orphanet 100, MedGen C0004135, MONDO:0008840, OMIM 208900.

Allele frequency attached by ClinVar (database versions not stated): gnomAD 0.00006.
gnomAD v4.1: 11 of 1,613,916 alleles (0.00068%); highest among the groups gnomAD compares: Non-Finnish European, 0.00025%; no homozygotes.

Submissions (3):

Ambry Genetics
Classification: Uncertain significance for Hereditary cancer-predisposing syndrome. Last evaluated: 2025-04-11. Review status: criteria provided, single submitter. Criteria: Ambry Variant Classification Scheme 2023. Collection method: clinical testing. Allele origin: germline.
Comment: The p.Q893H variant (also known as c.2679A>T), located in coding exon 17 of the ATM gene, results from an A to T substitution at nucleotide position 2679. The glutamine at codon 893 is replaced by histidine, an amino acid with highly similar properties. This amino acid position is well conserved in available vertebrate species. In addition, this alteration is predicted to be tolerated by in silico analysis. Since supporting evidence is limited at this time, the clinical significance of this alteration remains unclear.

Labcorp Genetics (formerly Invitae), Labcorp
Classification: Uncertain significance for Ataxia-telangiectasia syndrome. Last evaluated: 2024-03-17. Review status: criteria provided, single submitter. Criteria: Invitae Variant Classification Sherloc (09022015). Collection method: clinical testing. Allele origin: germline.
Comment: This sequence change replaces glutamine, which is neutral and polar, with histidine, which is basic and polar, at codon 893 of the ATM protein (p.Gln893His). This variant is present in population databases (no rsID available, gnomAD 0.01%). This variant has not been reported in the literature in individuals affected with ATM-related conditions. ClinVar contains an entry for this variant (Variation ID: 482576). Algorithms developed to predict the effect of missense changes on protein structure and function output the following: SIFT: "Not Available"; PolyPhen-2: "Benign"; Align-GVGD: "Not Available". The histidine amino acid residue is found in multiple mammalian species, which suggests that this missense change does not adversely affect protein function. In summary, the available evidence is currently insufficient to determine the role of this variant in disease. Therefore, it has been classified as a Variant of Uncertain Significance.

Natera, Inc.
Classification: Uncertain significance for Ataxia-telangiectasia. Last evaluated: 2019-10-28. Review status: no assertion criteria provided. Collection method: clinical testing. Allele origin: germline. Not counted in ClinVar's aggregate classification.